The following is an entry in ClinVar:

NM_020297.4(ABCC9):c.3862A>G (p.Met1288Val)

Genes: ABCC9 (ATP binding cassette subfamily C member 9; minus strand), KCNJ8-AS1 (KCNJ8 antisense RNA 1; plus strand). Cytogenetic location: 12p12.1.
Variant type: single nucleotide variant.
Coding change: c.3862A>G on transcript NM_020297.4 (MANE Select); coding-DNA position 3862, A replaced by G.
Protein change: p.Met1288Val; replaces methionine 1288 with valine.
Molecular consequence: missense variant.
Genome position (GRCh38, 1-based): chr12:21,817,217, T>C on the plus strand (A>G on the coding strand, the complement: ABCC9 is on the minus strand). VCF-style: chr12-21817217-T-C. GRCh37 (hg19) VCF-style: chr12-21970151-T-C.
Other names: c.3862A>G, p.Met1288Val (NM_001377273.1, NM_005691.4); c.2995A>G, p.Met999Val (NM_001377274.1); short protein forms M999V, M1288V.
Identifiers: ClinVar variation 3701672 (VCV003701672.2).
Genomic context (GRCh38, chr12:21,817,217, plus strand): 5'-AAGTGAGACAAACAATATTTAGAGCAATACCCATTGTGCCTTCATAGTTCTCTGACTCCA[T>C]AGTCAGGAAACTGTTCACCTTCTTCACTGCACCCATCTGGACCTCCAGGTCAGCCAAGTT-3'
Protein context (NP_064693.2, residues 1278-1298): AVKKVNSFLT[Met1288Val]ESENYEGTMD

ClinVar aggregate classification (germline): Uncertain significance (1 of 4 stars; one submission).

Conditions:
Dilated cardiomyopathy 1O (CMD1O). Also called: CARDIOMYOPATHY, DILATED, WITH VENTRICULAR TACHYCARDIA. Identifiers: Orphanet 154, MedGen C1837839, MONDO:0012062, OMIM 608569.

Submission:

Labcorp Genetics (formerly Invitae), Labcorp
Classification: Uncertain significance for Dilated cardiomyopathy 1O. Last evaluated: 2025-12-03. Review status: criteria provided, single submitter. Criteria: Invitae Variant Classification Sherloc (09022015). Collection method: clinical testing. Allele origin: germline.
Comment: This sequence change replaces methionine, which is neutral and non-polar, with valine, which is neutral and non-polar, at codon 1288 of the ABCC9 protein (p.Met1288Val). This variant is not present in population databases (gnomAD no frequency). This variant has not been reported in the literature in individuals affected with ABCC9-related conditions. ClinVar contains an entry for this variant (Variation ID: 3701672). Invitae Evidence Modeling of protein sequence and biophysical properties (such as structural, functional, and spatial information, amino acid conservation, physicochemical variation, residue mobility, and thermodynamic stability) indicates that this missense variant is not expected to disrupt ABCC9 protein function with a negative predictive value of 95%. In summary, the available evidence is currently insufficient to determine the role of this variant in disease. Therefore, it has been classified as a Variant of Uncertain Significance.